The following is an entry in ClinVar:

NM_000503.6(EYA1):c.339G>A (p.Gln113=)

Gene: EYA1 (EYA transcriptional coactivator and phosphatase 1; minus strand). Cytogenetic location: 8q13.3.
Variant type: single nucleotide variant.
Coding change: c.339G>A on transcript NM_000503.6 (MANE Select); coding-DNA position 339, G replaced by A.
Protein change: p.Gln113=; no amino-acid change (glutamine 113 retained).
Molecular consequence: synonymous variant. On other transcripts: splice acceptor variant (1).
Genome position (GRCh38, 1-based): chr8:71,321,813, C>T on the plus strand (G>A on the coding strand, the complement: EYA1 is on the minus strand). VCF-style: chr8-71321813-C-T. GRCh37 (hg19) VCF-style: chr8-72234048-C-T.
Other names: c.336G>A, p.Gln112= (NM_001288574.2); c.426G>A, p.Gln142= (NM_001370333.1, NM_172059.5); c.339G>A, p.Gln113= (NM_001370334.1, NM_001370335.1, NM_172058.4); c.423G>A, p.Gln141= (NM_001370336.1); c.240G>A, p.Gln80= (NM_001411797.1, NM_172060.4); c.-12-1G>A (NM_001288575.2).
Identifiers: ClinVar variation 3057474 (VCV003057474.2), dbSNP rs780500841, ClinGen allele CA4779807.
Genomic context (GRCh38, chr8:71,321,813, plus strand): 5'-CGGCTGTCCTGGCTGTGGGTACGTGGCATAGGCTGTAGCTTGTTGCATTCCTGTGGTAAA[C>T]TGTGTTTGCCCATATGCAGCCATAGTTTGTGAGGAAGGGGTAGGGAGAATATGTGGGTAT-3'
Protein context (NP_000494.2, residues 103-123): SQTMAAYGQT[Gln113=]FTTGMQQATA

ClinVar aggregate classification (germline): Likely benign (0 of 4 stars; one submission).

Conditions:
EYA1-related disorder. Also called: EYA1-related condition.

Allele frequency attached by ClinVar (database versions not stated): gnomAD exomes below 0.00001; ExAC 0.00001; gnomAD 0.00001; TOPMed 0.00002.
gnomAD v4.1: 3 of 1,614,096 alleles (0.00019%); highest among the groups gnomAD compares: Non-Finnish European, 0.00025%; no homozygotes.

Submission:

PreventionGenetics, part of Exact Sciences
Classification: Likely benign for EYA1-related condition. Last evaluated: 2019-03-14. Review status: no assertion criteria provided. Collection method: clinical testing. Allele origin: germline.
Comment: This variant is classified as likely benign based on ACMG/AMP sequence variant interpretation guidelines (Richards et al. 2015 PMID: 25741868, with internal and published modifications).